The following is an entry in ClinVar:

NM_024529.5(CDC73):c.908-2A>G

Gene: CDC73 (cell division cycle 73; plus strand). Cytogenetic location: 1q31.2.
Variant type: single nucleotide variant.
Coding change: c.908-2A>G on transcript NM_024529.5 (MANE Select); the canonical splice acceptor site of the intron before coding-DNA position 908, A replaced by G.
Molecular consequence: splice acceptor variant.
Genome position (GRCh38, 1-based): chr1:193,152,378, A>G. VCF-style: chr1-193152378-A-G. GRCh37 (hg19) VCF-style: chr1-193121508-A-G.
Identifiers: ClinVar variation 4531369 (VCV004531369.1).
Genomic context (GRCh38, chr1:193,152,378, plus strand): 5'-GTTATAGGTCATAAGATACATGATCTATAAAATCTTAACAATAAGCCTCTTTTTTTTCGT[A>G]GAAACGGAAGGCTTCAAAATTGACACTATGGGAACCTACCATGGTATGACACTGAAATCT-3'

ClinVar aggregate classification (germline): Likely pathogenic (1 of 4 stars; one submission).

Conditions:
Hyperparathyroidism 1 (HRPT1). Also called: HYPERPARATHYROIDISM, FAMILIAL ISOLATED PRIMARY. Identifiers: Orphanet 99879, MedGen C1840402, MONDO:0007767, OMIM 145000.

Submission:

Victorian Clinical Genetics Services, Murdoch Childrens Research Institute
Classification: Likely pathogenic for Hyperparathyroidism 1. Last evaluated: 2025-08-25. Review status: criteria provided, single submitter. Criteria: ACMG Guidelines, 2015. Collection method: clinical testing. Allele origin: germline. Affected: yes.
Comment: This variant is classified as Likely pathogenic. Evidence in support of pathogenic classification: Canonical splice site variant without proven consequence on splicing (no functional evidence available); Variant is absent from gnomAD (v2, v3 and v4); Abnormal splicing is predicted by in silico tool and affected nucleotide is highly conserved; Additional information: This variant is heterozygous; This gene is associated with autosomal dominant disease; This variant has no previous evidence of pathogenicity; No published evidence of segregation with disease has been identified for this variant; No published functional evidence has been identified for this variant; No comparable splice variants have previous evidence for pathogenicity; Loss of function is a known mechanism of disease in this gene and is associated with familial primary hyperparathyroidism (MIM#145000), hyperparathyroidism-jaw tumor syndrome (MIM#145001), parathyroid adenoma with cystic changes (MIM#145001) and parathyroid carcinoma (MIM#608266).